The following is an entry in ClinVar:

NM_138694.4(PKHD1):c.6778del (p.Tyr2260fs)

Gene: PKHD1 (PKHD1 ciliary IPT domain containing fibrocystin/polyductin; minus strand). Cytogenetic location: 6p12.2.
Variant type: Deletion.
Coding change: c.6778del on transcript NM_138694.4 (MANE Select); coding-DNA position 6778, one base deleted (T; older notation c.6778delT).
Protein change: p.Tyr2260fs; shifts the reading frame from tyrosine 2260.
Molecular consequence: frameshift variant.
Genome position (GRCh38, 1-based): chr6:51,906,245, A deleted on the plus strand (T on the coding strand, the reverse complement: PKHD1 is on the minus strand). VCF-style (leftmost placement, unchanged base first): chr6-51906244-TA-T. GRCh37 (hg19) VCF-style: chr6-51771042-TA-T.
Other names: c.6778del, p.Tyr2260fs (NM_170724.3); short protein forms Y2260fs.
Identifiers: ClinVar variation 864135 (VCV000864135.8), dbSNP rs1782064827, ClinGen allele CA916082837.

ClinVar aggregate classification (germline): Pathogenic (1 of 4 stars; one submission).

Conditions:
Autosomal recessive polycystic kidney disease (ARPKD). Also called: AR polycystic kidney disease. Identifiers: Orphanet 731, Orphanet 8378, MedGen C0085548, MeSH D017044, MONDO:0009889.

Submission:

Labcorp Genetics (formerly Invitae), Labcorp
Classification: Pathogenic for Autosomal recessive polycystic kidney disease. Last evaluated: 2019-02-11. Review status: criteria provided, single submitter. Criteria: Invitae Variant Classification Sherloc (09022015). Collection method: clinical testing. Allele origin: germline.
Comment: For these reasons, this variant has been classified as Pathogenic. Loss-of-function variants in PKHD1 are known to be pathogenic (PMID: 19940839). This variant has not been reported in the literature in individuals with PKHD1-related conditions. This variant is not present in population databases (ExAC no frequency). This sequence change creates a premature translational stop signal (p.Tyr2260Thrfs*4) in the PKHD1 gene. It is expected to result in an absent or disrupted protein product.

Literature cited by the submitters: PubMed 19940839.